The following is an entry in ClinVar:

ClinVar aggregate classification (germline): Conflicting classifications of pathogenicity. Review status: criteria provided, conflicting classifications (1 of 4 stars). 4 submissions from 4 submitters: Uncertain significance (3); Likely benign (1). Last evaluated 2026-08-07.

Conditions:
Renal cell carcinoma. Identifiers: Orphanet 217071, MedGen C0007134, MeSH D002292, MONDO:0005086, HP:0005584.
Hereditary cancer-predisposing syndrome. Also called: Tumor predisposition; Hereditary Cancer Syndrome; Neoplastic Syndromes, Hereditary; Hereditary neoplastic syndrome. Identifiers: Orphanet 140162, MedGen C0027672, MeSH D009386, MONDO:0015356.

Allele frequency attached by ClinVar (database versions not stated): gnomAD 0.00002; TOPMed 0.00002.
gnomAD v4.1: 24 of 1,613,708 alleles (0.0015%); highest among the groups gnomAD compares: East Asian, 0.025%; no homozygotes.

Submissions (4):

Ambry Genetics
Classification: Likely benign for Hereditary cancer-predisposing syndrome. Last evaluated: 2026-08-07. Review status: criteria provided, single submitter. Criteria: Ambry Variant Classification Scheme 2023. Collection method: clinical testing. Allele origin: germline.

Labcorp Genetics (formerly Invitae), Labcorp
Classification: Uncertain significance for Renal cell carcinoma. Last evaluated: 2025-12-23. Review status: criteria provided, single submitter. Criteria: Invitae Variant Classification Sherloc (09022015). Collection method: clinical testing. Allele origin: germline.
Comment: This sequence change replaces methionine, which is neutral and non-polar, with valine, which is neutral and non-polar, at codon 636 of the MET protein (p.Met636Val). This variant is present in population databases (rs761183186, gnomAD 0.007%). This variant has not been reported in the literature in individuals affected with MET-related conditions. ClinVar contains an entry for this variant (Variation ID: 820282). Invitae Evidence Modeling of protein sequence and biophysical properties (such as structural, functional, and spatial information, amino acid conservation, physicochemical variation, residue mobility, and thermodynamic stability) indicates that this missense variant is not expected to disrupt MET protein function with a negative predictive value of 80%. In summary, the available evidence is currently insufficient to determine the role of this variant in disease. Therefore, it has been classified as a Variant of Uncertain Significance.

ARUP Laboratories, Molecular Genetics and Genomics, ARUP Laboratories
Classification: Uncertain significance. Last evaluated: 2024-12-04. Review status: criteria provided, single submitter. Criteria: ARUP Molecular Germline Variant Investigation Process 2024. Collection method: clinical testing. Allele origin: germline.
Comment: The MET c.1906A>G; p.Met636Val variant (rs761183186), to our knowledge, is not reported in the medical literature but is reported in ClinVar (Variation ID: 820282). This variant is only observed on two alleles in the Genome Aggregation Database (v2.1.1), indicating it is not a common polymorphism. Computational analyses predict that this variant is neutral (REVEL: 0.09). Due to limited information, the clinical significance of this variant is uncertain at this time.

GeneDx
Classification: Uncertain significance. Last evaluated: 2019-06-18. Review status: criteria provided, single submitter. Criteria: GeneDx Variant Classification Process June 2021. Collection method: clinical testing. Allele origin: germline. Affected: yes.
Comment: Not observed at a significant frequency in large population cohorts (Lek et al., 2016); In silico analysis, which includes protein predictors and evolutionary conservation, supports that this variant does not alter protein structure/function; This variant is associated with the following publications: (PMID: 29472060)

NM_000245.4(MET):c.1906A>G (p.Met636Val)

Gene: MET (MET proto-oncogene, receptor tyrosine kinase; plus strand). Cytogenetic location: 7q31.2.
Variant type: single nucleotide variant.
Coding change: c.1906A>G on transcript NM_000245.4 (MANE Select); coding-DNA position 1906, A replaced by G.
Protein change: p.Met636Val; replaces methionine 636 with valine.
Molecular consequence: missense variant.
Genome position (GRCh38, 1-based): chr7:116,757,480, A>G. VCF-style: chr7-116757480-A-G. GRCh37 (hg19) VCF-style: chr7-116397534-A-G.
Other names: c.1906A>G, p.Met636Val (NM_001127500.3, NM_001324401.3); c.616A>G, p.Met206Val (NM_001324402.2); short protein forms M636V, M206V.
Identifiers: ClinVar variation 820282 (VCV000820282.19), dbSNP rs761183186, ClinGen allele CA4448322.